The following is an entry in ClinVar:

NM_014003.4(DHX38):c.3389T>C (p.Met1130Thr)

Gene: DHX38 (DEAH-box helicase 38; plus strand). Cytogenetic location: 16q22.2.
Variant type: single nucleotide variant.
Coding change: c.3389T>C on transcript NM_014003.4 (MANE Select); coding-DNA position 3389, T replaced by C.
Protein change: p.Met1130Thr; replaces methionine 1130 with threonine.
Molecular consequence: missense variant.
Genome position (GRCh38, 1-based): chr16:72,109,422, T>C. VCF-style: chr16-72109422-T-C. GRCh37 (hg19) VCF-style: chr16-72143321-T-C.
Other names: c.3389T>C (NM_014003.3); short protein forms M1130T.
Identifiers: ClinVar variation 1045412 (VCV001045412.10), dbSNP rs1334107858, ClinGen allele CA396717130.
Genomic context (GRCh38, chr16:72,109,422, plus strand): 5'-GGAGGGACATTGGCCCTCCTGTGACCCTCGCCTCCCTGCCCTTCTGCCCGCAGGAGTATA[T>C]GCAGTGTGTGACCGCTGTGGACGGGGAGTGGCTGGCGGAGCTGGGCCCCATGTTCTATAG-3'
Protein context (NP_054722.2, residues 1120-1140): HELVMTTKEY[Met1130Thr]QCVTAVDGEW

ClinVar aggregate classification (germline): Uncertain significance. Review status: criteria provided, multiple submitters, no conflicts (2 of 4 stars). 3 submissions from 3 submitters: Uncertain significance (3). Last evaluated 2024-11-11.

Allele frequency attached by ClinVar (database versions not stated): gnomAD exomes below 0.00001 and 0.00001; gnomAD 0.00001; TOPMed 0.00002.

Submissions (3):

Labcorp Genetics (formerly Invitae), Labcorp
Classification: Uncertain significance. Last evaluated: 2024-11-11. Review status: criteria provided, single submitter. Criteria: Invitae Variant Classification Sherloc (09022015). Collection method: clinical testing. Allele origin: germline.
Comment: This sequence change replaces methionine, which is neutral and non-polar, with threonine, which is neutral and polar, at codon 1130 of the DHX38 protein (p.Met1130Thr). The frequency data for this variant in the population databases is considered unreliable, as metrics indicate poor data quality at this position in the gnomAD database. This variant has not been reported in the literature in individuals affected with DHX38-related conditions. ClinVar contains an entry for this variant (Variation ID: 1045412). Invitae Evidence Modeling of protein sequence and biophysical properties (such as structural, functional, and spatial information, amino acid conservation, physicochemical variation, residue mobility, and thermodynamic stability) indicates that this missense variant is expected to disrupt DHX38 protein function with a positive predictive value of 80%. In summary, the available evidence is currently insufficient to determine the role of this variant in disease. Therefore, it has been classified as a Variant of Uncertain Significance.

Ambry Genetics
Classification: Uncertain significance. Last evaluated: 2024-07-18. Review status: criteria provided, single submitter. Criteria: Ambry Variant Classification Scheme 2023. Collection method: clinical testing. Allele origin: germline.

Blueprint Genetics
Classification: Uncertain significance. Last evaluated: 2022-11-22. Review status: criteria provided, single submitter. Criteria: ACMG Guidelines, 2015. Collection method: clinical testing. Allele origin: germline.